The following continues an entry in ClinVar:

NM_001127701.1(SERPINA1):c.863A>T (p.Glu288Val)

Gene: SERPINA1. ClinVar aggregate classification (germline): Pathogenic/Pathogenic, low penetrance; other. Pathogenic (22); Pathogenic, low penetrance (1).

Submissions 46 to 54 of 54:

Dr. Peter K. Rogan Lab, Western University
No classification provided (evidence only). Condition: Gastric cancer. Review status: no classification provided. Collection method: in vitro. Allele origin: not applicable. Functional consequence: retained intron. Not counted in ClinVar's aggregate classification.

Dr. Peter K. Rogan Lab, Western University
No classification provided (evidence only). Condition: Malignant tumor of esophagus. Review status: no classification provided. Collection method: in vitro. Allele origin: not applicable. Functional consequence: retained intron. Not counted in ClinVar's aggregate classification.

Dr. Peter K. Rogan Lab, Western University
No classification provided (evidence only). Condition: Malignant tumor of esophagus. Review status: no classification provided. Collection method: in vitro. Allele origin: not applicable. Functional consequence: retained intron. Not counted in ClinVar's aggregate classification.

Dr. Peter K. Rogan Lab, Western University
No classification provided (evidence only). Condition: Malignant tumor of esophagus. Review status: no classification provided. Collection method: in vitro. Allele origin: not applicable. Functional consequence: retained intron. Not counted in ClinVar's aggregate classification.

Dr. Peter K. Rogan Lab, Western University
No classification provided (evidence only). Condition: Malignant tumor of esophagus. Review status: no classification provided. Collection method: in vitro. Allele origin: not applicable. Functional consequence: retained intron. Not counted in ClinVar's aggregate classification.

Dr. Peter K. Rogan Lab, Western University
No classification provided (evidence only). Condition: Malignant tumor of esophagus. Review status: no classification provided. Collection method: in vitro. Allele origin: not applicable. Functional consequence: retained intron. Not counted in ClinVar's aggregate classification.

Dr. Peter K. Rogan Lab, Western University
No classification provided (evidence only). Condition: Malignant tumor of esophagus. Review status: no classification provided. Collection method: in vitro. Allele origin: not applicable. Functional consequence: retained intron. Not counted in ClinVar's aggregate classification.

GeneReviews
No classification provided. Condition: Alpha-1-antitrypsin deficiency. Review status: no classification provided. Collection method: literature only. Allele origin: germline. Affected: yes. Not counted in ClinVar's aggregate classification.

Laboratory for Molecular Medicine, Mass General Brigham Personalized Medicine
Classification: Uncertain significance. Last evaluated: 2020-03-04. Review status: flagged submission. Criteria: LMM Criteria. Collection method: clinical testing. Allele origin: germline. Observed: 18 variant alleles. Not counted in ClinVar's aggregate classification.
Comment: Variant classified as Uncertain Risk Allele. SERPINA1 c.863A>T (p.Glu288Val, commonly known S allele or PiMS and historically reported as p.Glu264Val) has been associated with increased risk for chronic obstructive pulmonary disease (COPD). This variant has been observed in multiple ethnic backgrounds with highest frequencies in individuals of European non-Finnish ancestry (3.7% Genome Aggregation Database (gnomAD); rs17580) and is present in ClinVar (ID:17969). A large meta-analysis has reported an odds ratio of 1.19 [95% CI 1.02-1.38] for developing COPD in individuals who are heterozygous for this variant (Dahl 2005). In vitro functional studies provide some evidence that p.Glu288Val variant may impact the protein function (Fregonese 2008). In summary, this variant is an uncertain risk factor for COPD.
ClinVar note: Reason: Outlier claim with insufficient supporting evidence

Literature cited by the submitters: PubMed 1889260 (cited by Labcorp Genetics (formerly Invitae), Labcorp); PubMed 15978931 (cited by 3 submitters); PubMed 22933512 (cited by Labcorp Genetics (formerly Invitae), Labcorp); PubMed 23632999 (cited by Labcorp Genetics (formerly Invitae), Labcorp and Molecular Genetics, Royal Melbourne Hospital); PubMed 2567291 (cited by 10 submitters); PubMed 22426792 (cited by 4 submitters); PubMed 18187064 (cited by Ambry Genetics); PubMed 20301692 (cited by 4 submitters); PubMed 3257660 (cited by Molecular Genetics, Royal Melbourne Hospital); PubMed 15994391 (cited by Molecular Genetics, Royal Melbourne Hospital and Laboratory for Molecular Medicine, Mass General Brigham Personalized Medicine); PubMed 20981092 (cited by AiLife Diagnostics and Division of Human Genetics, Children's Hospital of Philadelphia); PubMed 25637381 (cited by AiLife Diagnostics); PubMed 24055113 (cited by 3 submitters); PubMed 29882371 (cited by AiLife Diagnostics); PubMed 31980526 (cited by AiLife Diagnostics); PubMed 22975760 (cited by AiLife Diagnostics and Division of Human Genetics, Children's Hospital of Philadelphia); PubMed 27535533 (cited by AiLife Diagnostics); PubMed 29232161 (cited by AiLife Diagnostics); PubMed 27153395 (cited by AiLife Diagnostics); PubMed 27959697 (cited by AiLife Diagnostics); PubMed 31447099 (cited by AiLife Diagnostics); PubMed 8970361 (cited by Illumina Laboratory Services, Illumina and Laboratory for Molecular Medicine, Mass General Brigham Personalized Medicine); PubMed 25454901 (cited by Illumina Laboratory Services, Illumina and Center for Computational Genomics and Data Science, University of Alabama); PubMed 26141072 (cited by Illumina Laboratory Services, Illumina); PubMed 26831755 (cited by Illumina Laboratory Services, Illumina); PubMed 26672964 (cited by Illumina Laboratory Services, Illumina); PubMed 18566672 (cited by Center for Computational Genomics and Data Science, University of Alabama); PubMed 30585791 (cited by Center for Computational Genomics and Data Science, University of Alabama); PubMed 27465791 (cited by Center for Computational Genomics and Data Science, University of Alabama); PubMed 1087161 (cited by OMIM); PubMed 301355 (cited by OMIM and Laboratory for Molecular Medicine, Mass General Brigham Personalized Medicine); PubMed 6093867 (cited by OMIM and Laboratory for Molecular Medicine, Mass General Brigham Personalized Medicine); NCBI Bookshelf NBK1519 (cited by GeneReviews); PubMed 15711957 (cited by Laboratory for Molecular Medicine, Mass General Brigham Personalized Medicine); PubMed 18565211 (cited by Laboratory for Molecular Medicine, Mass General Brigham Personalized Medicine); PubMed 6602622 (cited by Laboratory for Molecular Medicine, Mass General Brigham Personalized Medicine); PubMed 10194472 (cited by Laboratory for Molecular Medicine, Mass General Brigham Personalized Medicine); PubMed 16608528 (cited by Laboratory for Molecular Medicine, Mass General Brigham Personalized Medicine); PubMed 19956452 (cited by Laboratory for Molecular Medicine, Mass General Brigham Personalized Medicine); PubMed 23837941 (cited by Laboratory for Molecular Medicine, Mass General Brigham Personalized Medicine).